The following is an entry in ClinVar:

NM_005996.4(TBX3):c.1328C>T (p.Ala443Val)

Gene: TBX3 (T-box transcription factor 3; minus strand). Cytogenetic location: 12q24.21.
Variant type: single nucleotide variant.
Coding change: c.1328C>T on transcript NM_005996.4 (MANE Select); coding-DNA position 1328, C replaced by T.
Protein change: p.Ala443Val; replaces alanine 443 with valine.
Molecular consequence: missense variant.
Genome position (GRCh38, 1-based): chr12:114,674,547, G>A on the plus strand (C>T on the coding strand, the complement: TBX3 is on the minus strand). VCF-style: chr12-114674547-G-A. GRCh37 (hg19) VCF-style: chr12-115112352-G-A.
Other names: c.1388C>T, p.Ala463Val (NM_016569.4); short protein forms A443V, A463V.
Identifiers: ClinVar variation 2919303 (VCV002919303.3), dbSNP rs1247378046, ClinGen allele CA386869157.

ClinVar aggregate classification (germline): Uncertain significance (1 of 4 stars; one submission).

Conditions:
Ulnar-mammary syndrome (UMS). Also called: PALLISTER ULNAR-MAMMARY SYNDROME; Ulnar-mammary syndrome of Pallister; SCHINZEL SYNDROME. Identifiers: Orphanet 3138, MedGen C1866994, MONDO:0008411, OMIM 181450.

Allele frequency attached by ClinVar (database versions not stated): TOPMed below 0.00001.

Submission:

Labcorp Genetics (formerly Invitae), Labcorp
Classification: Uncertain significance for Ulnar-mammary syndrome. Last evaluated: 2022-12-08. Review status: criteria provided, single submitter. Criteria: Invitae Variant Classification Sherloc (09022015). Collection method: clinical testing. Allele origin: germline.
Comment: In summary, the available evidence is currently insufficient to determine the role of this variant in disease. Therefore, it has been classified as a Variant of Uncertain Significance. Algorithms developed to predict the effect of missense changes on protein structure and function output the following: SIFT: "Tolerated"; PolyPhen-2: "Benign"; Align-GVGD: "Class C0". The valine amino acid residue is found in multiple mammalian species, which suggests that this missense change does not adversely affect protein function. This variant has not been reported in the literature in individuals affected with TBX3-related conditions. This variant is not present in population databases (gnomAD no frequency). This sequence change replaces alanine, which is neutral and non-polar, with valine, which is neutral and non-polar, at codon 443 of the TBX3 protein (p.Ala443Val).